The following is an entry in ClinVar:

NM_001330260.2(SCN8A):c.718A>G (p.Ile240Val)

Gene: SCN8A (sodium voltage-gated channel alpha subunit 8; plus strand). Cytogenetic location: 12q13.13.
Variant type: single nucleotide variant.
Coding change: c.718A>G on transcript NM_001330260.2 (MANE Select); coding-DNA position 718, A replaced by G.
Protein change: p.Ile240Val; replaces isoleucine 240 with valine.
Molecular consequence: missense variant.
Genome position (GRCh38, 1-based): chr12:51,699,581, A>G. VCF-style: chr12-51699581-A-G. GRCh37 (hg19) VCF-style: chr12-52093365-A-G.
Other names: c.718A>G, p.Ile240Val (NM_001177984.3, NM_001369788.1, NM_014191.4); short protein forms I240V.
Identifiers: ClinVar variation 419568 (VCV000419568.9), dbSNP rs1064793923, ClinGen allele CA16619557.

ClinVar aggregate classification (germline): Pathogenic/Likely pathogenic. Review status: criteria provided, multiple submitters, no conflicts (2 of 4 stars). 3 submissions from 3 submitters: Pathogenic (1); Likely pathogenic (2). Last evaluated 2023-10-16.

Conditions:
Early-infantile DEE. Also called: Early infantile epileptic encephalopathy; Ohtahara syndrome; Early infantile epileptic encephalopathy with suppression bursts. Identifiers: Orphanet 1934, MedGen C0393706, MONDO:0800491.
Cognitive impairment with or without cerebellar ataxia (CIAT). Identifiers: MedGen C3280415, MONDO:0013680, OMIM 614306.

Submissions (3):

Labcorp Genetics (formerly Invitae), Labcorp
Classification: Pathogenic for Early-infantile DEE. Last evaluated: 2023-10-16. Review status: criteria provided, single submitter. Criteria: Invitae Variant Classification Sherloc (09022015). Collection method: clinical testing. Allele origin: germline.
Comment: This sequence change replaces isoleucine, which is neutral and non-polar, with valine, which is neutral and non-polar, at codon 240 of the SCN8A protein (p.Ile240Val). This variant is not present in population databases (gnomAD no frequency). This missense change has been observed in individual(s) with clinical features of SCN8A-related conditions (PMID: 27659738; Invitae). In at least one individual the variant was observed to be de novo. ClinVar contains an entry for this variant (Variation ID: 419568). Advanced modeling of protein sequence and biophysical properties (such as structural, functional, and spatial information, amino acid conservation, physicochemical variation, residue mobility, and thermodynamic stability) has been performed at Invitae for this missense variant, however the output from this modeling did not meet the statistical confidence thresholds required to predict the impact of this variant on SCN8A protein function. This variant disrupts the p.Ile240 amino acid residue in SCN8A. Other variant(s) that disrupt this residue have been observed in individuals with SCN8A-related conditions (PMID: 31618753), which suggests that this may be a clinically significant amino acid residue. For these reasons, this variant has been classified as Pathogenic.

Baylor Genetics
Classification: Likely pathogenic for Cognitive impairment with or without cerebellar ataxia. Last evaluated: 2020-02-12. Review status: criteria provided, single submitter. Criteria: ACMG Guidelines, 2015. Collection method: clinical testing. Allele origin: de novo. Affected: yes.
Comment: This variant was determined to be likely pathogenic according to ACMG Guidelines, 2015 [PMID:25741868].

GeneDx
Classification: Likely pathogenic. Last evaluated: 2018-06-08. Review status: criteria provided, single submitter. Criteria: GeneDx Variant Classification (06012015). Collection method: clinical testing. Allele origin: germline. Affected: yes.
Comment: The I240V variant in the SCN8A gene has been previously published in association with seizures (McNally et al., 2016). This variant was not observed in approximately 6300 individuals of European and African American ancestry in the NHLBI Exome Sequencing Project, indicating it is not a common benign variant in these populations. The I240V variant is a conservative amino acid substitution, which occurs at a position that is conserved across species. In silico analysis predicts this variant is probably damaging to the protein structure/function. Based on review of the data in the context of the 2015 ACMG standards and guidelines for the interpretation of sequence variants (Richards et al., 2015), we now interpret I240V as a likely pathogenic variant.

Literature cited by the submitters: PubMed 27659738 (cited by Labcorp Genetics (formerly Invitae), Labcorp); PubMed 31618753 (cited by Labcorp Genetics (formerly Invitae), Labcorp).